The following is an entry in ClinVar:

NM_000088.4(COL1A1):c.1787_1798del (p.Gly596_Gly599del)

Gene: COL1A1 (collagen type I alpha 1 chain; minus strand). Cytogenetic location: 17q21.33.
Variant type: Deletion.
Coding change: c.1787_1798del on transcript NM_000088.4 (MANE Select); coding-DNA positions 1787 to 1798, 12 bases deleted (GAGAGCGAGGTG).
Protein change: p.Gly596_Gly599del.
Molecular consequence: inframe deletion. On other transcripts: inframe indel (1).
Genome position (GRCh38, 1-based): chr17:50,193,017-50,193,028, CACCTCGCTCTC deleted on the plus strand (GAGAGCGAGGTG on the coding strand, the reverse complement: COL1A1 is on the minus strand); deleting any 12 consecutive bases within chr17:50,193,017-50,193,030 gives the same sequence; the c. name uses the placement nearest the transcript's 3' end. VCF-style (leftmost placement, unchanged base first): chr17-50193016-ACACCTCGCTCTC-A. GRCh37 (hg19) VCF-style: chr17-48270377-ACACCTCGCTCTC-A.
Other names: c.1785_1796delTGGAGAGCGAGG, p.Gly596_Gly599del (NM_000088.3).
Identifiers: ClinVar variation 3255202 (VCV003255202.2), dbSNP rs2509209662.

ClinVar aggregate classification (germline): Likely pathogenic (1 of 4 stars; one submission).

Conditions:
Osteogenesis imperfecta, perinatal lethal (OI2). Also called: OI, TYPE II; OSTEOGENESIS IMPERFECTA CONGENITA; VROLIK TYPE OF OSTEOGENESIS IMPERFECTA; OSTEOGENESIS IMPERFECTA, TYPE II; Osteogenesis imperfecta type 2; Osteogenesis imperfecta, dominant perinatal lethal. Identifiers: Orphanet 216804, MedGen C0268358, MONDO:0008147, OMIM 166210.

Submission:

Victorian Clinical Genetics Services, Murdoch Childrens Research Institute
Classification: Likely pathogenic for Osteogenesis imperfecta, perinatal lethal. Last evaluated: 2024-09-20. Review status: criteria provided, single submitter. Criteria: ACMG Guidelines, 2015. Collection method: clinical testing. Allele origin: germline. Inheritance: Autosomal dominant inheritance. Affected: yes.
Comment: Based on the classification scheme VCGS_Germline_v1.3.4, this variant is classified as Likely Pathogenic. Following criteria are met: 0103 - Dominant negative and loss of function are known mechanisms of disease in this gene and are associated with osteogenesis imperfecta (OI) types I-IV, and other conditions (OMIM). Variants resulting in a truncated protein are known to have a loss of function effect on protein, while missense variants affecting the Gly-X-Y of a triple helix motif have a dominant negative effect (PMID: 27509835, 12362985). (I) 0107 - This gene is associated with autosomal dominant disease. (I) 0115 - Variants in this gene are known to have variable expressivity (PMID: 20301472). (I) 0213 - In-frame deletion in a non-repetitive region that has high conservation. (SP) 0251 - This variant is heterozygous. (I) 0301 - Variant is absent from gnomAD (both v2 and v3). (SP) 0601 - Variant is located in the well-established functional Gly-X-Y motif, disrupting the Gly-X-Y repeat (DECIPHER). (SP) 0705 - No comparable in-frame deletion variants have previous evidence for pathogenicity. (I) 0807 - This variant has no previous evidence of pathogenicity. (I) 0905 - No published segregation evidence has been identified for this variant. (I) 1007 - No published functional evidence has been identified for this variant. (I) Legend: (SP) - Supporting pathogenic, (I) - Information, (SB) - Supporting benign

Literature cited by the submitters: PubMed 12362985; PubMed 20301472; PubMed 27509835.